The following is an entry in ClinVar:

ClinVar aggregate classification (germline): Pathogenic (1 of 4 stars; one submission).

Conditions:
Wilms tumor 1 (WT1). Also called: Wilms tumor, somatic. Identifiers: Orphanet 654, MedGen CN033288, MONDO:0008679, OMIM 194070.

Submission:

Labcorp Genetics (formerly Invitae), Labcorp
Classification: Pathogenic for Wilms tumor 1. Last evaluated: 2022-08-16. Review status: criteria provided, single submitter. Criteria: Invitae Variant Classification Sherloc (09022015). Collection method: clinical testing. Allele origin: germline.
Comment: For these reasons, this variant has been classified as Pathogenic. ClinVar contains an entry for this variant (Variation ID: 941417). This variant has not been reported in the literature in individuals affected with GPC3-related conditions. This variant is not present in population databases (gnomAD no frequency). This sequence change creates a premature translational stop signal (p.Trp423*) in the GPC3 gene. It is expected to result in an absent or disrupted protein product. Loss-of-function variants in GPC3 are known to be pathogenic (PMID: 10402475, 12713262, 17603795).

Literature cited by the submitters: PubMed 10402475; PubMed 12713262; PubMed 17603795.

NM_004484.4(GPC3):c.1269G>A (p.Trp423Ter)

Gene: GPC3 (glypican 3; minus strand). Cytogenetic location: Xq26.2.
Variant type: single nucleotide variant.
Coding change: c.1269G>A on transcript NM_004484.4 (MANE Select); coding-DNA position 1269, G replaced by A.
Protein change: p.Trp423Ter; replaces tryptophan 423 with a stop codon.
Molecular consequence: nonsense.
Genome position (GRCh38, 1-based): chrX:133,692,392, C>T on the plus strand (G>A on the coding strand, the complement: GPC3 is on the minus strand). VCF-style: chrX-133692392-C-T. GRCh37 (hg19) VCF-style: chrX-132826420-C-T.
Other names: c.1338G>A, p.Trp446Ter (NM_001164617.2); c.1221G>A, p.Trp407Ter (NM_001164618.2); c.1107G>A, p.Trp369Ter (NM_001164619.2); short protein forms W407*, W446*, W369*, W423*.
Identifiers: ClinVar variation 941417 (VCV000941417.8), dbSNP rs2071072718, ClinGen allele CA414705367.